The following is an entry in ClinVar:

NM_001063.4(TF):c.531T>A (p.Cys177Ter)

Gene: TF (transferrin; plus strand). Cytogenetic location: 3q22.1.
Variant type: single nucleotide variant.
Coding change: c.531T>A on transcript NM_001063.4 (MANE Select); coding-DNA position 531, T replaced by A.
Protein change: p.Cys177Ter; replaces cysteine 177 with a stop codon.
Molecular consequence: nonsense.
Genome position (GRCh38, 1-based): chr3:133,755,391, T>A. VCF-style: chr3-133755391-T-A. GRCh37 (hg19) VCF-style: chr3-133474235-T-A.
Other names: c.399T>A, p.Cys133Ter (NM_001354703.2); c.150T>A, p.Cys50Ter (NM_001354704.2); short protein forms C133*, C177*, C50*.
Identifiers: ClinVar variation 5016282 (VCV005016282.1).

ClinVar aggregate classification (germline): Pathogenic (1 of 4 stars; one submission).

Conditions:
Atransferrinemia. Also called: Familial hypotransferrinemia. Identifiers: Orphanet 1195, MedGen C0521802, MONDO:0008846, OMIM 209300, HP:0012239.

Submission:

Myriad Genetics, Inc.
Classification: Pathogenic for Atransferrinemia. Last evaluated: 2026-08-27. Review status: criteria provided, single submitter. Criteria: Myriad Autosomal Dominant, Autosomal Recessive and X-Linked Classification Criteria (2023). Collection method: clinical testing. Allele origin: unknown.
Comment: NM_001063.3(TF):c.531T>A(C177*) is expected to be pathogenic in the context of atransferrinemia. This variant is predicted to lead to an abnormal or absent protein product due to the creation of a premature termination codon in TF, a gene where loss-of-function variants are known to be pathogenic. Please note: this variant was assessed in the context of healthy population screening.